The following is an entry in ClinVar:

ClinVar aggregate classification (germline): Uncertain significance (1 of 4 stars; one submission).

Conditions:
PRPH2-related disorder. Also called: PRPH2-related disorders; PRPH2-related condition. Identifiers: MedGen CN239395.

Allele frequency attached by ClinVar (database versions not stated): gnomAD exomes below 0.00001; TOPMed below 0.00001.

Submission:

Labcorp Genetics (formerly Invitae), Labcorp
Classification: Uncertain significance for PRPH2-related disorder. Last evaluated: 2024-08-13. Review status: criteria provided, single submitter. Criteria: Invitae Variant Classification Sherloc (09022015). Collection method: clinical testing. Allele origin: germline.
Comment: This sequence change replaces proline, which is neutral and non-polar, with serine, which is neutral and polar, at codon 96 of the PRPH2 protein (p.Pro96Ser). This variant is not present in population databases (gnomAD no frequency). This variant has not been reported in the literature in individuals affected with PRPH2-related conditions. ClinVar contains an entry for this variant (Variation ID: 1927234). Invitae Evidence Modeling of protein sequence and biophysical properties (such as structural, functional, and spatial information, amino acid conservation, physicochemical variation, residue mobility, and thermodynamic stability) indicates that this missense variant is not expected to disrupt PRPH2 protein function with a negative predictive value of 95%. In summary, the available evidence is currently insufficient to determine the role of this variant in disease. Therefore, it has been classified as a Variant of Uncertain Significance.

NM_000322.5(PRPH2):c.286C>T (p.Pro96Ser)

Gene: PRPH2 (peripherin 2; minus strand). Cytogenetic location: 6p21.1.
Variant type: single nucleotide variant.
Coding change: c.286C>T on transcript NM_000322.5 (MANE Select); coding-DNA position 286, C replaced by T.
Protein change: p.Pro96Ser; replaces proline 96 with serine.
Molecular consequence: missense variant.
Genome position (GRCh38, 1-based): chr6:42,722,049, G>A on the plus strand (C>T on the coding strand, the complement: PRPH2 is on the minus strand). VCF-style: chr6-42722049-G-A. GRCh37 (hg19) VCF-style: chr6-42689787-G-A.
Other names: short protein forms P96S.
Identifiers: ClinVar variation 1927234 (VCV001927234.5), dbSNP rs1408863996, ClinGen allele CA364138015.